The following is an entry in ClinVar:

NM_001267550.2(TTN):c.4385_4386delinsG (p.Lys1462fs)

Genes: TTN (titin; minus strand), LOC101927055 (uncharacterized LOC101927055; plus strand). Cytogenetic location: 2q31.2.
Variant type: Indel.
Coding change: c.4385_4386delinsG on transcript NM_001267550.2 (MANE Select); coding-DNA positions 4385 to 4386, AA replaced by G.
Protein change: p.Lys1462fs; shifts the reading frame from lysine 1462.
Molecular consequence: frameshift variant. On other transcripts: non-coding transcript variant (1).
Genome position (GRCh38, 1-based): chr2:178,777,798-178,777,799, TT replaced by C on the plus strand (AA replaced by G on the coding strand, the reverse complement: TTN is on the minus strand). VCF-style: chr2-178777798-TT-C. GRCh37 (hg19) VCF-style: chr2-179642525-TT-C.
Other names: c.4385_4386delinsG, p.Lys1462fs (NM_001256850.1, NM_133378.4, NM_133379.5); c.4247_4248delinsG, p.Lys1416fs (NM_003319.4, NM_133432.3, NM_133437.4); short protein forms K1416fs, K1462fs.
Identifiers: ClinVar variation 965086 (VCV000965086.6), dbSNP rs2092387027, ClinGen allele CA1139657495.

ClinVar aggregate classification (germline): Likely pathogenic (1 of 4 stars; one submission).

Conditions:
Dilated cardiomyopathy 1G (CMD1G). Identifiers: Orphanet 154, MedGen C1858763, MONDO:0011400, OMIM 604145.
Autosomal recessive limb-girdle muscular dystrophy type 2J (LGMDR10). Also called: Limb-girdle muscular dystrophy, type 2J; MUSCULAR DYSTROPHY, LIMB-GIRDLE, AUTOSOMAL RECESSIVE 10. Identifiers: Orphanet 140922, MedGen C1837342, MONDO:0012127, OMIM 608807.

Submission:

Labcorp Genetics (formerly Invitae), Labcorp
Classification: Likely pathogenic for Dilated cardiomyopathy 1G; Autosomal recessive limb-girdle muscular dystrophy type 2J. Last evaluated: 2024-10-18. Review status: criteria provided, single submitter. Criteria: Invitae Variant Classification Sherloc (09022015). Collection method: clinical testing. Allele origin: germline.
Comment: This sequence change creates a premature translational stop signal (p.Lys1462Serfs*8) in the TTN gene. While this is not anticipated to result in nonsense mediated decay, it is expected to create a truncated TTN protein. This variant is not present in population databases (gnomAD no frequency). This variant has not been reported in the literature in individuals affected with TTN-related conditions. This variant is located in the Z band of TTN (PMID: 25589632). Truncating variants in this region have been reported in individuals affected with autosomal recessive centronuclear myopathy (PMID: 33449170, internal data). Truncating variants in this region have also been identified in individuals affected with autosomal dominant dilated cardiomyopathy and/or cardio-related conditions (PMID: 27869827, 32964742, internal data). In summary, the currently available evidence indicates that the variant is pathogenic, but additional data are needed to prove that conclusively. Therefore, this variant has been classified as Likely Pathogenic.

Literature cited by the submitters: PubMed 25589632; PubMed 33449170; PubMed 27869827; PubMed 32964742.